The following is an entry in ClinVar:

ClinVar aggregate classification (germline): Uncertain significance (1 of 4 stars; one submission).

Allele frequency attached by ClinVar (database versions not stated): ExAC 0.00002; gnomAD 0.00003; TOPMed 0.00003; ESP Exome Variant Server 0.00008; 1000 Genomes Project 30x 0.00016.
gnomAD v4.1: 36 of 1,613,204 alleles (0.0022%); highest among the groups gnomAD compares: African/African-American, 0.036%; no homozygotes.

Submission:

GeneDx
Classification: Uncertain significance. Last evaluated: 2017-12-21. Review status: criteria provided, single submitter. Criteria: GeneDx Variant Classification (06012015). Collection method: clinical testing. Allele origin: germline. Affected: yes.
Comment: The c.*20G>C variant alters the conserved Guanine nucleotide 20 base pairs downstream of the translational stop codon in the 3â€™ untranslated region (3â€™UTR) of the COL1A1 gene. This variant has not, to our knowledge, been published in the literature as either a pathogenic variant or a benign polymorphism. Variants in the 3â€² UTR may disrupt key functional elements such as polyadenylation signal, microribonucleic acid target sites and AUâ€rich elements that could lead to production of a nonfunctional protein or reduced amounts of functional protein. However, no pathogenic variants have been described in the 3â€™ UTR of COL1A1 (Stenson et al., 2014). In the absence of RNA or functional studies, the actual effect of this variant is unknown. Based on currently available information, we consider COL1A1 c.*20G>C to be a variant of uncertain significance.

NM_000088.4(COL1A1):c.*20G>C

Gene: COL1A1 (collagen type I alpha 1 chain; minus strand). Cytogenetic location: 17q21.33.
Variant type: single nucleotide variant.
Coding change: c.*20G>C on transcript NM_000088.4 (MANE Select); 20 bases downstream of the stop codon, G replaced by C.
Molecular consequence: 3 prime UTR variant.
Genome position (GRCh38, 1-based): chr17:50,185,482, C>G on the plus strand (G>C on the coding strand, the complement: COL1A1 is on the minus strand). VCF-style: chr17-50185482-C-G. GRCh37 (hg19) VCF-style: chr17-48262843-C-G.
Identifiers: ClinVar variation 489278 (VCV000489278.1), dbSNP rs199806909, ClinGen allele CA8644161.